The following is an entry in ClinVar:

ClinVar aggregate classification (germline): Likely benign (1 of 4 stars; one submission).

Allele frequency attached by ClinVar (database versions not stated): gnomAD exomes 0.00008; gnomAD 0.00013; TOPMed 0.00013; ExAC 0.00020; 1000 Genomes Project 30x 0.00047; 1000 Genomes Project 0.00060.
gnomAD v4.1: 142 of 1,609,848 alleles (0.0088%); highest among the groups gnomAD compares: Middle Eastern, 0.099%; 2 homozygotes.

Submission:

CeGaT Center for Human Genetics Tuebingen
Classification: Likely benign. Last evaluated: 2022-07-01. Review status: criteria provided, single submitter. Criteria: CeGaT Center For Human Genetics Tuebingen Variant Classification Criteria Version 2. Collection method: clinical testing. Allele origin: germline. Affected: yes. Observed: 1 variant allele.
Comment: SPECC1L: BP4, BS2

NM_015330.6(SPECC1L):c.-37-8T>C

Genes: SPECC1L (sperm antigen with calponin homology and coiled-coil domains 1 like; plus strand), SPECC1L-ADORA2A (SPECC1L-ADORA2A readthrough (NMD candidate); plus strand). Cytogenetic location: 22q11.23.
Variant type: single nucleotide variant.
Coding change: c.-37-8T>C on transcript NM_015330.6 (MANE Select); 8 bases into the intron before 37 bases upstream of the start codon, T replaced by C.
Molecular consequence: intron variant.
Genome position (GRCh38, 1-based): chr22:24,302,187, T>C. VCF-style: chr22-24302187-T-C. GRCh37 (hg19) VCF-style: chr22-24698155-T-C.
Other names: c.-37-8T>C (NM_001145468.4, NM_001254732.3).
Identifiers: ClinVar variation 2652989 (VCV002652989.24), dbSNP rs199934096, ClinGen allele CA10151840.